The following is an entry in ClinVar:

NM_000051.4(ATM):c.6572+2T>A

Genes: C11orf65 (chromosome 11 open reading frame 65; minus strand), ATM (ATM serine/threonine kinase; plus strand). Cytogenetic location: 11q22.3.
Variant type: single nucleotide variant.
Coding change: c.6572+2T>A on transcript NM_000051.4 (MANE Select); the canonical splice donor site of the intron after coding-DNA position 6572, T replaced by A.
Molecular consequence: splice donor variant. On other transcripts: intron variant (2).
Genome position (GRCh38, 1-based): chr11:108,321,422, T>A. VCF-style: chr11-108321422-T-A. GRCh37 (hg19) VCF-style: chr11-108192149-T-A.
Other names: c.6572+2T>A (NM_001351834.2); c.641-12351A>T (NM_001330368.2); c.*39-12351A>T (NM_001351110.2).
Identifiers: ClinVar variation 2713918 (VCV002713918.4), dbSNP rs2136243664, ClinGen allele CA382554459.
Genomic context (GRCh38, chr11:108,321,422, plus strand): 5'-ACACTTAGCAGGTTGCAGGCCATTGGAGAGCTGGAAAGCATTGGGGAGCTTTTCTCAAGG[T>A]ATGTAATTCGTATGACTTTGTTATCCTAAAGTGCAGCTTTTCTGTTACCAATAGTGACTT-3'

ClinVar aggregate classification (germline): Likely pathogenic. Review status: criteria provided, multiple submitters, no conflicts (2 of 4 stars). 2 submissions from 2 submitters: Likely pathogenic (2). Last evaluated 2026-08-18.

Conditions:
Ataxia-telangiectasia syndrome (AT). Also called: LOUIS-BAR SYNDROME; Cerebello-oculocutaneous telangiectasia; Immunodeficiency with ataxia telangiectasia; Ataxia telangiectasia (A-T); Ataxia-telangiectasia, complementation group D; AT, COMPLEMENTATION GROUP C. Identifiers: Orphanet 100, MedGen C0004135, MONDO:0008840, OMIM 208900.
Familial cancer of breast. Also called: BREAST CANCER, FAMILIAL; Hereditary breast cancer; hereditary breast carcinoma. Identifiers: Orphanet 227535, MedGen C0346153, MONDO:0016419, OMIM 114480. Disease mechanism: loss of function.

Submissions (2):

Myriad Genetics, Inc.
Classification: Likely pathogenic for Familial cancer of breast. Last evaluated: 2026-08-18. Review status: criteria provided, single submitter. Criteria: Myriad Autosomal Dominant, Autosomal Recessive and X-Linked Classification Criteria (2023). Collection method: clinical testing. Allele origin: unknown.
Comment: This variant is considered likely pathogenic. This variant occurs within a consensus splice junction and is predicted to result in abnormal mRNA splicing of either an out-of-frame exon or an in-frame exon necessary for protein stability and/or normal function.

Labcorp Genetics (formerly Invitae), Labcorp
Classification: Likely pathogenic for Ataxia-telangiectasia syndrome. Last evaluated: 2024-01-28. Review status: criteria provided, single submitter. Criteria: Invitae Variant Classification Sherloc (09022015). Collection method: clinical testing. Allele origin: germline.
Comment: This sequence change affects a donor splice site in intron 45 of the ATM gene. It is expected to disrupt RNA splicing. Variants that disrupt the donor or acceptor splice site typically lead to a loss of protein function (PMID: 16199547), and loss-of-function variants in ATM are known to be pathogenic (PMID: 23807571, 25614872). This variant is not present in population databases (gnomAD no frequency). This variant has not been reported in the literature in individuals affected with ATM-related conditions. Algorithms developed to predict the effect of sequence changes on RNA splicing suggest that this variant may disrupt the consensus splice site. In summary, the currently available evidence indicates that the variant is pathogenic, but additional data are needed to prove that conclusively. Therefore, this variant has been classified as Likely Pathogenic.

Literature cited by the submitters: PubMed 16199547 (cited by Labcorp Genetics (formerly Invitae), Labcorp); PubMed 23807571 (cited by Labcorp Genetics (formerly Invitae), Labcorp); PubMed 25614872 (cited by Labcorp Genetics (formerly Invitae), Labcorp).